The following is an entry in ClinVar:

ClinVar aggregate classification (germline): Pathogenic. Review status: reviewed by expert panel (3 of 4 stars). 5 submissions from 5 submitters: Pathogenic (1). 4 of the submissions do not count toward it. Last evaluated 2016-09-08.

Conditions:
Hereditary cancer-predisposing syndrome. Also called: Tumor predisposition; Hereditary neoplastic syndrome; Hereditary Cancer Syndrome; Neoplastic Syndromes, Hereditary. Identifiers: Orphanet 140162, MedGen C0027672, MeSH D009386, MONDO:0015356.
Hereditary breast ovarian cancer syndrome. Also called: Hereditary breast and/or ovarian cancer syndrome; Breast and ovarian cancer; Hereditary breast and ovarian cancer syndrome; Hereditary breast and ovarian cancer; Hereditary breast and ovarian cancer syndrome (HBOC); BRCA1- and BRCA2-Associated Hereditary Breast and Ovarian Cancer. Identifiers: Orphanet 145, MedGen C0677776, MeSH D061325, MONDO:0003582. Disease mechanism: loss of function.
Breast-ovarian cancer, familial, susceptibility to, 1 (BROVCA1). Also called: BRCA1 Hereditary Breast and Ovarian Cancer; OVARIAN CANCER, SUSCEPTIBILITY TO. Identifiers: Orphanet 145, MedGen C2676676, MONDO:0011450, OMIM 604370. Disease mechanism: loss of function.

Submissions (5):

Evidence-based Network for the Interpretation of Germline Mutant Alleles (ENIGMA)
Classification: Pathogenic for Breast-ovarian cancer, familial, susceptibility to, 1. Last evaluated: 2016-09-08. Review status: reviewed by expert panel. Criteria: ENIGMA BRCA1/2 Classification Criteria (2015). Collection method: curation. Allele origin: germline.
Comment: Variant allele predicted to encode a truncated non-functional protein.

Ambry Genetics
Classification: Pathogenic for Hereditary cancer-predisposing syndrome. Last evaluated: 2026-03-19. Review status: criteria provided, single submitter. Criteria: Ambry Variant Classification Scheme 2023. Collection method: clinical testing. Allele origin: germline. Not counted in ClinVar's aggregate classification.
Comment: The c.5056dupC pathogenic mutation, located in coding exon 15 of the BRCA1 gene, results from a duplication of C at nucleotide position 5056, causing a translational frameshift with a predicted alternate stop codon (p.H1686Pfs*9). This variant is considered to be rare based on population cohorts in the Genome Aggregation Database (gnomAD). This alteration is expected to result in loss of function by premature protein truncation or nonsense-mediated mRNA decay. As such, this alteration is interpreted as a disease-causing mutation.

Labcorp Genetics (formerly Invitae), Labcorp
Classification: Pathogenic for Hereditary breast ovarian cancer syndrome. Last evaluated: 2019-10-14. Review status: criteria provided, single submitter. Criteria: Invitae Variant Classification Sherloc (09022015). Collection method: clinical testing. Allele origin: germline. Not counted in ClinVar's aggregate classification.
Comment: This sequence change creates a premature translational stop signal (p.His1686Profs*9) in the BRCA1 gene. It is expected to result in an absent or disrupted protein product. This variant is not present in population databases (ExAC no frequency). This variant has been observed in an individual with high risk of developing breast and/or ovarian cancer (PMID: 29446198). ClinVar contains an entry for this variant (Variation ID: 125756). Loss-of-function variants in BRCA1 are known to be pathogenic (PMID: 20104584). For these reasons, this variant has been classified as Pathogenic.

Consortium of Investigators of Modifiers of BRCA1/2 (CIMBA), c/o University of Cambridge
Classification: Pathogenic for Breast-ovarian cancer, familial, susceptibility to, 1. Last evaluated: 2015-10-02. Review status: criteria provided, single submitter. Criteria: CIMBA Mutation Classification guidelines May 2016. Collection method: clinical testing. Allele origin: germline. Not counted in ClinVar's aggregate classification.

Breast Cancer Information Core (BIC) (BRCA1)
Classification: Pathogenic for Breast-ovarian cancer, familial 1. Last evaluated: 2004-11-25. Review status: no assertion criteria provided. Collection method: clinical testing. Allele origin: germline. Affected: yes. Observed: 1 variant allele. Not counted in ClinVar's aggregate classification.

Literature cited by the submitters: PubMed 29446198 (cited by Labcorp Genetics (formerly Invitae), Labcorp); PubMed 20104584 (cited by Labcorp Genetics (formerly Invitae), Labcorp).

NM_007294.4(BRCA1):c.5056dup (p.His1686fs)

Gene: BRCA1 (BRCA1 DNA repair associated; minus strand). Cytogenetic location: 17q21.31.
Variant type: Duplication.
Coding change: c.5056dup on transcript NM_007294.4 (MANE Select); coding-DNA position 5056, one base duplicated (C; older notation c.5056dupC).
Protein change: p.His1686fs; shifts the reading frame from histidine 1686.
Molecular consequence: frameshift variant. On other transcripts: non-coding transcript variant (1).
Genome position (GRCh38, 1-based): chr17:43,067,626, G duplicated on the plus strand (C on the coding strand, the reverse complement: BRCA1 is on the minus strand). VCF-style (leftmost placement, unchanged base first): chr17-43067625-T-TG. GRCh37 (hg19) VCF-style: chr17-41219642-T-TG.
Other names: 5175insC; c.5056dupC (NM_007294.3); c.5053dup, p.His1685Profs (NM_001407616.1, NM_001407617.1, NM_001407618.1 and 17 more transcripts); c.5050dup, p.His1684Profs (NM_001407627.1, NM_001407628.1, NM_001407629.1 and 14 more transcripts); c.5047dup, p.His1683Profs (NM_001407644.1, NM_001407645.1); c.5044dup, p.His1682Profs (NM_001407646.1); c.5041dup, p.His1681Profs (NM_001407647.1); c.4999dup, p.His1667Profs (NM_001407648.1); and 75 more; short protein forms H582fs, H1707fs, H1686fs, H1639fs.
Identifiers: ClinVar variation 125756 (VCV000125756.15), dbSNP rs80357974, ClinGen allele CA003176.